The following is an entry in ClinVar:

ClinVar aggregate classification (germline): Uncertain significance (1 of 4 stars; one submission).

Conditions:
Hereditary pancreatitis (PCTT). Also called: Hereditary chronic pancreatitis; PRSS1-Related Hereditary Pancreatitis. Identifiers: Orphanet 676, MedGen C0238339, MONDO:0008185, OMIM 167800.

Submission:

Ambry Genetics
Classification: Uncertain significance for Hereditary pancreatitis. Last evaluated: 2024-09-01. Review status: criteria provided, single submitter. Criteria: Ambry Variant Classification Scheme 2023. Collection method: clinical testing. Allele origin: germline.
Comment: The p.G212V variant (also known as c.635G>T), located in coding exon 5 of the PRSS1 gene, results from a G to T substitution at nucleotide position 635. The glycine at codon 212 is replaced by valine, an amino acid with dissimilar properties. This amino acid position is conserved. In addition, this alteration is predicted to be deleterious by in silico analysis. Based on the available evidence, the clinical significance of this variant remains unclear.

NM_002769.5(PRSS1):c.635G>T (p.Gly212Val)

Genes: PRSS1 (serine protease 1; plus strand), TRB (T cell receptor beta locus; plus strand). Cytogenetic location: 7q34.
Variant type: single nucleotide variant.
Coding change: c.635G>T on transcript NM_002769.5 (MANE Select); coding-DNA position 635, G replaced by T.
Protein change: p.Gly212Val; replaces glycine 212 with valine.
Molecular consequence: missense variant. On other transcripts: non-coding transcript variant (5).
Genome position (GRCh38, 1-based): chr7:142,752,911, G>T. VCF-style: chr7-142752911-G-T. GRCh37 (hg19) VCF-style: chr7-142460762-G-T.
Other names: short protein forms G212V.
Identifiers: ClinVar variation 3426321 (VCV003426321.1).